The following is an entry in ClinVar:

NM_015559.3(SETBP1):c.4039G>A (p.Val1347Met)

Gene: SETBP1 (SET binding protein 1; plus strand). Cytogenetic location: 18q12.3.
Variant type: single nucleotide variant.
Coding change: c.4039G>A on transcript NM_015559.3 (MANE Select); coding-DNA position 4039, G replaced by A.
Protein change: p.Val1347Met; replaces valine 1347 with methionine.
Molecular consequence: missense variant. On other transcripts: intron variant (1).
Genome position (GRCh38, 1-based): chr18:45,038,523, G>A. VCF-style: chr18-45038523-G-A. GRCh37 (hg19) VCF-style: chr18-42618488-G-A.
Other names: c.4039G>A, p.Val1347Met (NM_001379141.1, NM_001379142.1); c.4001-24556G>A (NM_001410862.1); short protein forms V1347M.
Identifiers: ClinVar variation 2803860 (VCV002803860.3), dbSNP rs1332598357, ClinGen allele CA402482383.

ClinVar aggregate classification (germline): Uncertain significance (1 of 4 stars; one submission).

Allele frequency attached by ClinVar (database versions not stated): gnomAD exomes below 0.00001.
gnomAD v4.1: 1 of 1,614,148 alleles (0.000062%); highest among the groups gnomAD compares: Admixed American, 0.0017%; no homozygotes.

Submission:

Labcorp Genetics (formerly Invitae), Labcorp
Classification: Uncertain significance. Last evaluated: 2023-12-11. Review status: criteria provided, single submitter. Criteria: Invitae Variant Classification Sherloc (09022015). Collection method: clinical testing. Allele origin: germline.
Comment: This sequence change replaces valine, which is neutral and non-polar, with methionine, which is neutral and non-polar, at codon 1347 of the SETBP1 protein (p.Val1347Met). This variant is present in population databases (no rsID available, gnomAD 0.003%). This variant has not been reported in the literature in individuals affected with SETBP1-related conditions. Advanced modeling of protein sequence and biophysical properties (such as structural, functional, and spatial information, amino acid conservation, physicochemical variation, residue mobility, and thermodynamic stability) performed at Invitae indicates that this missense variant is not expected to disrupt SETBP1 protein function with a negative predictive value of 80%. In summary, the available evidence is currently insufficient to determine the role of this variant in disease. Therefore, it has been classified as a Variant of Uncertain Significance.